The following is an entry in ClinVar:

ClinVar aggregate classification (germline): Benign (1 of 4 stars; one submission).

Allele frequency attached by ClinVar (database versions not stated): gnomAD 0.00034.
gnomAD v4.1: 33 of 99,546 alleles (0.033%); highest among the groups gnomAD compares: South Asian, 1.1%; no homozygotes.

Submission:

CeGaT Center for Human Genetics Tuebingen
Classification: Benign. Last evaluated: 2022-08-01. Review status: criteria provided, single submitter. Criteria: CeGaT Center For Human Genetics Tuebingen Variant Classification Criteria Version 2. Collection method: clinical testing. Allele origin: germline. Affected: yes. Observed: 1 variant allele.
Comment: HRAS: BS1, BS2

NC_000011.10:g.531047C>T

Genes: HRAS (HRas proto-oncogene, GTPase; minus strand), LRRC56 (leucine rich repeat containing 56; plus strand). Cytogenetic location: 11p15.5.
Variant type: single nucleotide variant.
Genome position: GRCh38 VCF-style: chr11-531047-C-T. GRCh37 (hg19) VCF-style: chr11-531047-C-T.
Identifiers: ClinVar variation 2641065 (VCV002641065.24), dbSNP rs1851074446, ClinGen allele CA934275441.
Genomic context (GRCh38, chr11:531,047, plus strand): 5'-CGTCCCCTGGAGAGAAGGGCGAGTGTGGCGTCCCCTGGACAGAAGGGGGAGTGTGGCGTC[C>T]CCTGGAGAGAAGGGCGAGTGTGGCGTCCCCTGGAGAGAAGGGCGAGTGTGGCGTCCCCTG-3'